The following is an entry in ClinVar:

NM_031372.4(HNRNPDL):c.332A>C (p.His111Pro)

Gene: HNRNPDL (heterogeneous nuclear ribonucleoprotein D like; minus strand). Cytogenetic location: 4q21.22.
Variant type: single nucleotide variant.
Coding change: c.332A>C on transcript NM_031372.4 (MANE Select); coding-DNA position 332, A replaced by C.
Protein change: p.His111Pro; replaces histidine 111 with proline.
Molecular consequence: missense variant. On other transcripts: non-coding transcript variant (1).
Genome position (GRCh38, 1-based): chr4:82,429,359, T>G on the plus strand (A>C on the coding strand, the complement: HNRNPDL is on the minus strand). VCF-style: chr4-82429359-T-G. GRCh37 (hg19) VCF-style: chr4-83350512-T-G.
Other names: c.332A>C, p.His111Pro (NM_001207000.1); short protein forms H111P.
Identifiers: ClinVar variation 533017 (VCV000533017.9), dbSNP rs1169938690, ClinGen allele CA357172586.

ClinVar aggregate classification (germline): Uncertain significance (1 of 4 stars; one submission).

Conditions:
Autosomal dominant limb-girdle muscular dystrophy type 1G (LGMDD3). Also called: Limb-girdle muscular dystrophy, type 1G; MUSCULAR DYSTROPHY, LIMB-GIRDLE, AUTOSOMAL DOMINANT 3. Identifiers: Orphanet 55596, MedGen C1836765, MONDO:0012193, OMIM 609115.

Allele frequency attached by ClinVar (database versions not stated): gnomAD exomes below 0.00001.

Submission:

Labcorp Genetics (formerly Invitae), Labcorp
Classification: Uncertain significance for Autosomal dominant limb-girdle muscular dystrophy type 1G. Last evaluated: 2023-12-01. Review status: criteria provided, single submitter. Criteria: Invitae Variant Classification Sherloc (09022015). Collection method: clinical testing. Allele origin: germline.
Comment: This sequence change replaces histidine, which is basic and polar, with proline, which is neutral and non-polar, at codon 111 of the HNRNPDL protein (p.His111Pro). This variant is not present in population databases (gnomAD no frequency). This variant has not been reported in the literature in individuals affected with HNRNPDL-related conditions. ClinVar contains an entry for this variant (Variation ID: 533017). Algorithms developed to predict the effect of missense changes on protein structure and function output the following: SIFT: "Not Available"; PolyPhen-2: "Benign"; Align-GVGD: "Not Available". The proline amino acid residue is found in multiple mammalian species, which suggests that this missense change does not adversely affect protein function. In summary, the available evidence is currently insufficient to determine the role of this variant in disease. Therefore, it has been classified as a Variant of Uncertain Significance.